The following is an entry in ClinVar:

NM_003060.4(SLC22A5):c.791C>G (p.Thr264Arg)

Gene: SLC22A5 (solute carrier family 22 member 5; plus strand). Cytogenetic location: 5q31.1.
Variant type: single nucleotide variant.
Coding change: c.791C>G on transcript NM_003060.4 (MANE Select); coding-DNA position 791, C replaced by G.
Protein change: p.Thr264Arg; replaces threonine 264 with arginine.
Molecular consequence: missense variant.
Genome position (GRCh38, 1-based): chr5:132,385,466, C>G. VCF-style: chr5-132385466-C-G. GRCh37 (hg19) VCF-style: chr5-131721158-C-G.
Other names: p.Thr264Arg; c.863C>G, p.Thr288Arg (NM_001308122.2); short protein forms T264R, T288R.
Identifiers: ClinVar variation 460416 (VCV000460416.27), dbSNP rs201262157, ClinGen allele CA3403970.

ClinVar aggregate classification (germline): Pathogenic/Likely pathogenic. Review status: criteria provided, multiple submitters, no conflicts (2 of 4 stars). 9 submissions from 9 submitters: Pathogenic (1); Likely pathogenic (8). Last evaluated 2026-01-28.

Conditions:
SLC22A5-related disorder. Also called: SLC22A5-related condition.
Carnitine deficiency. Identifiers: MedGen C1142132.
Renal carnitine transport defect (CDSP). Also called: CARNITINE DEFICIENCY, SYSTEMIC, DUE TO DEFECT IN RENAL REABSORPTION OF CARNITINE; CARNITINE TRANSPORTER, PLASMA-MEMBRANE, DEFICIENCY OF; CARNITINE UPTAKE DEFECT; Systemic primary carnitine deficiency; Primary carnitine deficiency; Carnitine transporter deficiency. Identifiers: Orphanet 158, MedGen C0342788, MONDO:0008919, OMIM 212140.

Allele frequency attached by ClinVar (database versions not stated): TOPMed 0.00002.
gnomAD v4.1: 23 of 1,614,032 alleles (0.0014%); highest among the groups gnomAD compares: Non-Finnish European, 0.0017%; no homozygotes.

Submissions (9):

Labcorp Genetics (formerly Invitae), Labcorp
Classification: Pathogenic for Renal carnitine transport defect. Last evaluated: 2026-01-28. Review status: criteria provided, single submitter. Criteria: Invitae Variant Classification Sherloc (09022015). Collection method: clinical testing. Allele origin: germline.
Comment: This sequence change replaces threonine, which is neutral and polar, with arginine, which is basic and polar, at codon 264 of the SLC22A5 protein (p.Thr264Arg). This variant is present in population databases (rs201262157, gnomAD 0.008%). This missense change has been observed in individual(s) with primary carnitine deficiency (PMID: 20574985, 35281663). ClinVar contains an entry for this variant (Variation ID: 460416). Invitae Evidence Modeling of protein sequence and biophysical properties (such as structural, functional, and spatial information, amino acid conservation, physicochemical variation, residue mobility, and thermodynamic stability) indicates that this missense variant is expected to disrupt SLC22A5 protein function with a positive predictive value of 95%. For these reasons, this variant has been classified as Pathogenic.

GeneDx
Classification: Likely pathogenic. Last evaluated: 2025-04-24. Review status: criteria provided, single submitter. Criteria: GeneDx Variant Classification Process June 2021. Collection method: clinical testing. Allele origin: germline. Affected: yes.
Comment: Published functional studies found this variant is associated with significantly reduced carnitine transport (PMID: 28841266, 36343260); In silico analysis supports that this missense variant has a deleterious effect on protein structure/function; Not observed at significant frequency in large population cohorts (gnomAD); This variant is associated with the following publications: (PMID: 36343260, 28841266, 20574985, 35352813)

Natera, Inc.
Classification: Likely pathogenic for Carnitine deficiency. Last evaluated: 2025-02-17. Review status: criteria provided, single submitter. Criteria: Natera Variant Classification Schema (03/2026). Collection method: clinical testing. Allele origin: germline.
Comment: The c.791C>G variant in SLC22A5 is a missense variant predicted to cause substitution of threonine to arginine at amino acid 264. This variant is rare in the general population with a frequency below the threshold expected for the associated phenotype(s). This variant has been observed in one or more individuals affected with the associated recessive disease, as either homozygous or compound heterozygous with a second variant (PMID: 20574985, 35281663). Functional studies show that this variant may disrupt protein function (PMID: 28841266). Computational prediction algorithms indicate this variant is likely to affect gene or protein function. Given the available evidence, this variant is classified as Likely Pathogenic.

PreventionGenetics, part of Exact Sciences
Classification: Likely pathogenic for SLC22A5-related condition. Last evaluated: 2025-01-23. Review status: criteria provided, single submitter. Criteria: ACMG Guidelines, 2015. Collection method: clinical testing. Allele origin: germline.
Comment: The SLC22A5 c.791C>G variant is predicted to result in the amino acid substitution p.Thr264Arg. This variant has been reported in the homozygous and compound heterozygous states in individuals with autosomal recessive carnitine deficiency (Li et al. 2010. PubMed ID: 20574985; Martín-Rivada et al. 2022. PubMed ID: 35281663). A functional assay indicates this variant results in ~2.5% enzyme activity in comparison to the wild-type protein (Frigeni et al. 2017. PubMed ID: 28841266). This variant is reported in 0.0053%of alleles in individuals of European (Non-Finnish) descent in gnomAD. This variant is interpreted as likely pathogenic.

Blueprint Genetics
Classification: Likely pathogenic for SLC22A5-related disorders. Last evaluated: 2024-07-26. Review status: criteria provided, single submitter. Criteria: ACMG Guidelines, 2015. Collection method: clinical testing. Allele origin: germline. Affected: yes. Observed: 5 variant alleles.

Fulgent Genetics
Classification: Likely pathogenic for Renal carnitine transport defect. Last evaluated: 2024-03-31. Review status: criteria provided, single submitter. Criteria: ACMG Guidelines, 2015. Collection method: clinical testing. Allele origin: germline.

Women's Health and Genetics/Laboratory Corporation of America, LabCorp
Classification: Likely pathogenic for Renal carnitine transport defect. Last evaluated: 2022-11-07. Review status: criteria provided, single submitter. Criteria: LabCorp Variant Classification Summary - May 2015. Collection method: clinical testing. Allele origin: germline.
Comment: Variant summary: SLC22A5 c.791C>G (p.Thr264Arg) results in a non-conservative amino acid change located in the major facilitator superfamily domain (IPR020846) of the encoded protein sequence. Five of five in-silico tools predict a damaging effect of the variant on protein function. The variant allele was found at a frequency of 3.2e-05 in 251456 control chromosomes (gnomAD). c.791C>G has been reported in the literature as a biallelic genotype in at least two individuals affected with Systemic Primary Carnitine Deficiency, identified through newborn screening programs (e.g. Li_2010, Martin-Rivada_2022). These data indicate that the variant is likely to be associated with disease. At least one publication reports experimental evidence evaluating an impact on protein function (e.g. Frigeni_2017). Carnitine transport activity was reduced to < 3% of normal in cells expressing the variant, suggesting it negatively impacts protein function. Four submitters have provided clinical-significance assessments for this variant to ClinVar after 2014. Three classified the variant as likely pathogenic and one classified it as VUS. Based on the evidence outlined above, the variant was classified as likely pathogenic.

Giacomini Lab, University of California, San Francisco
Classification: Likely pathogenic for Renal carnitine transport defect. Last evaluated: 2022-10-03. Review status: criteria provided, single submitter. Criteria: ACMG Guidelines, 2015. Collection method: research, in vitro. Allele origin: germline, not applicable.

Genome-Nilou Lab
Classification: Likely pathogenic for Renal carnitine transport defect. Last evaluated: 2021-07-15. Review status: criteria provided, single submitter. Criteria: ACMG Guidelines, 2015. Collection method: clinical testing. Allele origin: germline. Affected: no.

Literature cited by the submitters: PubMed 20574985 (cited by 3 submitters); PubMed 35281663 (cited by 3 submitters); PubMed 28841266 (cited by Natera, Inc. and Women's Health and Genetics/Laboratory Corporation of America, LabCorp).